The following is an entry in ClinVar:

NM_000901.5(NR3C2):c.2715G>C (p.Lys905Asn)

Gene: NR3C2 (nuclear receptor subfamily 3 group C member 2; minus strand). Cytogenetic location: 4q31.23.
Variant type: single nucleotide variant.
Coding change: c.2715G>C on transcript NM_000901.5 (MANE Select); coding-DNA position 2715, G replaced by C.
Protein change: p.Lys905Asn; replaces lysine 905 with asparagine.
Molecular consequence: missense variant. On other transcripts: non-coding transcript variant (1).
Genome position (GRCh38, 1-based): chr4:148,114,188, C>G on the plus strand (G>C on the coding strand, the complement: NR3C2 is on the minus strand). VCF-style: chr4-148114188-C-G. GRCh37 (hg19) VCF-style: chr4-149035339-C-G.
Other names: c.2364G>C, p.Lys788Asn (NM_001166104.2, NM_001354819.1); c.2715G>C, p.Lys905Asn (NM_001437654.1, NM_001437655.1, NM_001437656.1); c.2727G>C, p.Lys909Asn (NM_001437657.1); short protein forms K909N, K788N, K905N.
Identifiers: ClinVar variation 4740339 (VCV004740339.1).

ClinVar aggregate classification (germline): Uncertain significance (1 of 4 stars; one submission).

Submission:

Labcorp Genetics (formerly Invitae), Labcorp
Classification: Uncertain significance. Last evaluated: 2025-03-12. Review status: criteria provided, single submitter. Criteria: Invitae Variant Classification Sherloc (09022015). Collection method: clinical testing. Allele origin: germline.
Comment: This sequence change replaces lysine, which is basic and polar, with asparagine, which is neutral and polar, at codon 905 of the NR3C2 protein (p.Lys905Asn). This variant is not present in population databases (gnomAD no frequency). This variant has not been reported in the literature in individuals affected with NR3C2-related conditions. Invitae Evidence Modeling of protein sequence and biophysical properties (such as structural, functional, and spatial information, amino acid conservation, physicochemical variation, residue mobility, and thermodynamic stability) indicates that this missense variant is expected to disrupt NR3C2 protein function with a positive predictive value of 80%. In summary, the available evidence is currently insufficient to determine the role of this variant in disease. Therefore, it has been classified as a Variant of Uncertain Significance.